The following is an entry in ClinVar:

NM_003722.5(TP63):c.824A>T (p.Tyr275Phe)

Gene: TP63 (tumor protein p63; plus strand). Cytogenetic location: 3q28.
Variant type: single nucleotide variant.
Coding change: c.824A>T on transcript NM_003722.5 (MANE Select); coding-DNA position 824, A replaced by T.
Protein change: p.Tyr275Phe; replaces tyrosine 275 with phenylalanine.
Molecular consequence: missense variant.
Genome position (GRCh38, 1-based): chr3:189,866,739, A>T. VCF-style: chr3-189866739-A-T. GRCh37 (hg19) VCF-style: chr3-189584528-A-T.
Other names: c.824A>T, p.Tyr275Phe (NM_001114978.2, NM_001114979.2, NM_001329144.2 and 1 more transcripts); c.542A>T, p.Tyr181Phe (NM_001114980.2, NM_001114981.2, NM_001114982.2 and 2 more transcripts); c.287A>T, p.Tyr96Phe (NM_001329146.2, NM_001329150.2); c.818A>T, p.Tyr273Phe (NM_001329964.2); short protein forms Y181F, Y96F, Y273F, Y275F.
Identifiers: ClinVar variation 2056856 (VCV002056856.3), dbSNP rs1717772980, ClinGen allele CA355754524.
Genomic context (GRCh38, chr3:189,866,739, plus strand): 5'-CAGGACAGATTGCCCCTCCTAGTCATTTGATTCGAGTAGAGGGGAACAGCCATGCCCAGT[A>T]TGTAGAAGATCCCATCACAGGAAGACAGAGTGTGCTGGTACCTTATGAGCCACCCCAGGT-3'
Protein context (NP_003713.3, residues 265-285): IRVEGNSHAQ[Tyr275Phe]VEDPITGRQS

ClinVar aggregate classification (germline): Uncertain significance (1 of 4 stars; one submission).

Conditions:
TP63-Related Spectrum Disorders.

Allele frequency attached by ClinVar (database versions not stated): gnomAD exomes below 0.00001; gnomAD 0.00001.
gnomAD v4.1: 5 of 1,613,866 alleles (0.00031%); highest among the groups gnomAD compares: African/African-American, 0.0053%; no homozygotes.

Submission:

Labcorp Genetics (formerly Invitae), Labcorp
Classification: Uncertain significance. Last evaluated: 2022-09-27. Review status: criteria provided, single submitter. Criteria: Invitae Variant Classification Sherloc (09022015). Collection method: clinical testing. Allele origin: germline.
Comment: In summary, the available evidence is currently insufficient to determine the role of this variant in disease. Therefore, it has been classified as a Variant of Uncertain Significance. Advanced modeling of protein sequence and biophysical properties (such as structural, functional, and spatial information, amino acid conservation, physicochemical variation, residue mobility, and thermodynamic stability) has been performed at Invitae for this missense variant, however the output from this modeling did not meet the statistical confidence thresholds required to predict the impact of this variant on TP63 protein function. This variant has not been reported in the literature in individuals affected with TP63-related conditions. This variant is not present in population databases (gnomAD no frequency). This sequence change replaces tyrosine, which is neutral and polar, with phenylalanine, which is neutral and non-polar, at codon 275 of the TP63 protein (p.Tyr275Phe).